The following is an entry in ClinVar:

NM_015346.4(ZFYVE26):c.1122G>A (p.Trp374Ter)

Gene: ZFYVE26 (zinc finger FYVE-type containing 26; minus strand). Cytogenetic location: 14q24.1.
Variant type: single nucleotide variant.
Coding change: c.1122G>A on transcript NM_015346.4 (MANE Select); coding-DNA position 1122, G replaced by A.
Protein change: p.Trp374Ter; replaces tryptophan 374 with a stop codon.
Molecular consequence: nonsense.
Genome position (GRCh38, 1-based): chr14:67,805,514, C>T on the plus strand (G>A on the coding strand, the complement: ZFYVE26 is on the minus strand). VCF-style: chr14-67805514-C-T. GRCh37 (hg19) VCF-style: chr14-68272231-C-T.
Other names: short protein forms W374*.
Identifiers: ClinVar variation 5011337 (VCV005011337.1).

ClinVar aggregate classification (germline): Pathogenic (1 of 4 stars; one submission).

Conditions:
Hereditary spastic paraplegia 15 (SPG15). Also called: SPASTIC PARAPLEGIA 15, AUTOSOMAL RECESSIVE; KJELLIN SYNDROME; SPASTIC PARAPLEGIA AND RETINAL DEGENERATION. Identifiers: Orphanet 100996, MedGen C1849128, MONDO:0010044, OMIM 270700.

Submission:

Myriad Genetics, Inc.
Classification: Pathogenic for Hereditary spastic paraplegia 15. Last evaluated: 2023-08-13. Review status: criteria provided, single submitter. Criteria: Myriad Autosomal Dominant, Autosomal Recessive and X-Linked Classification Criteria (2023). Collection method: clinical testing. Allele origin: unknown.
Comment: NM_015346.3(ZFYVE26):c.1122G>A(W374*) is expected to be pathogenic in the context of spastic paraplegia type 15. This variant is predicted to lead to an abnormal or absent protein product due to the creation of a premature termination codon in ZFYVE26, a gene where loss-of-function variants are known to be pathogenic. Please note: this variant was assessed in the context of healthy population screening.